The following is an entry in ClinVar:

NM_152703.5(SAMD9L):c.2105C>T (p.Ser702Phe)

Gene: SAMD9L (sterile alpha motif domain containing 9 like; minus strand). Cytogenetic location: 7q21.2.
Variant type: single nucleotide variant.
Coding change: c.2105C>T on transcript NM_152703.5 (MANE Select); coding-DNA position 2105, C replaced by T.
Protein change: p.Ser702Phe; replaces serine 702 with phenylalanine.
Molecular consequence: missense variant.
Genome position (GRCh38, 1-based): chr7:93,133,867, G>A on the plus strand (C>T on the coding strand, the complement: SAMD9L is on the minus strand). VCF-style: chr7-93133867-G-A. GRCh37 (hg19) VCF-style: chr7-92763180-G-A.
Other names: c.2105C>T, p.Ser702Phe (NM_001303496.3, NM_001303497.3, NM_001303498.3 and 5 more transcripts); short protein forms S702F.
Identifiers: ClinVar variation 5028842 (VCV005028842.1).

ClinVar aggregate classification (germline): Uncertain significance (1 of 4 stars; one submission).

Conditions:
Inborn genetic diseases. Identifiers: MedGen C0950123, MeSH D030342.

Submission:

Ambry Genetics
Classification: Uncertain significance for Inborn genetic diseases. Last evaluated: 2026-06-20. Review status: criteria provided, single submitter. Criteria: Ambry Variant Classification Scheme 2023. Collection method: clinical testing. Allele origin: germline.
Comment: The p.S702F variant (also known as c.2105C>T), located in coding exon 1 of the SAMD9L gene, results from a C to T substitution at nucleotide position 2105. The serine at codon 702 is replaced by phenylalanine, an amino acid with highly dissimilar properties. This amino acid position is conserved. In addition, this alteration is predicted to be tolerated by in silico analysis. Based on the available evidence, the clinical significance of this variant remains unclear.